The following is an entry in ClinVar:

NM_003072.5(SMARCA4):c.4171-3A>G

Gene: SMARCA4 (SWI/SNF related BAF chromatin remodeling complex subunit ATPase 4; plus strand). Cytogenetic location: 19p13.2.
Variant type: single nucleotide variant.
Coding change: c.4171-3A>G on transcript NM_003072.5 (MANE Select); 3 bases into the intron before coding-DNA position 4171, A replaced by G.
Molecular consequence: intron variant. On other transcripts: missense variant (2).
Genome position (GRCh38, 1-based): chr19:11,041,304, A>G. VCF-style: chr19-11041304-A-G. GRCh37 (hg19) VCF-style: chr19-11151980-A-G.
Other names: c.4078A>G, p.Lys1360Glu (NM_001128845.2, NM_001128846.2); c.4171-3A>G (NM_001128844.3); c.4267-3A>G (NM_001128849.3, NM_001387283.1); c.4072-3A>G (NM_001128847.4, NM_001374457.1, NM_001128848.2); short protein forms K1360E.
Identifiers: ClinVar variation 1521385 (VCV001521385.6), dbSNP rs2146812535, ClinGen allele CA404072656.
Genomic context (GRCh38, chr19:11,041,304, plus strand): 5'-TCGCGGCCTCTGCTTGTCGACCTGGGTGCTGGCTGTCCTATTTTACTACTATTGACCCTG[A>G]AGGCCATCGAGGAGGGCACGCTGGAGGAGATCGAAGAGGAGGTCCGGCAGAAGAAATCAT-3'

ClinVar aggregate classification (germline): Uncertain significance (1 of 4 stars; one submission).

Conditions:
Rhabdoid tumor predisposition syndrome 2 (RTPS2). Identifiers: Orphanet 231108, Orphanet 69077, MedGen C2750074, MONDO:0013224, OMIM 613325.

Submission:

Labcorp Genetics (formerly Invitae), Labcorp
Classification: Uncertain significance for Rhabdoid tumor predisposition syndrome 2. Last evaluated: 2021-03-29. Review status: criteria provided, single submitter. Criteria: Invitae Variant Classification Sherloc (09022015). Collection method: clinical testing. Allele origin: germline.
Comment: In summary, the available evidence is currently insufficient to determine the role of this variant in disease. Therefore, it has been classified as a Variant of Uncertain Significance. Nucleotide substitutions within the consensus splice site are a relatively common cause of aberrant splicing (PMID: 17576681, 9536098). Algorithms developed to predict the effect of sequence changes on RNA splicing suggest that this variant may disrupt the consensus splice site, but this prediction has not been confirmed by published transcriptional studies. This variant has not been reported in the literature in individuals with SMARCA4-related conditions. This variant is not present in population databases (ExAC no frequency). This sequence change falls in intron 30 of the SMARCA4 gene. It does not directly change the encoded amino acid sequence of the SMARCA4 protein. It affects a nucleotide within the consensus splice site of the intron.

Literature cited by the submitters: PubMed 17576681; PubMed 9536098.